The following is an entry in ClinVar:

NM_006859.4(LIAS):c.70C>G (p.Pro24Ala)

Gene: LIAS (lipoic acid synthetase; plus strand). Cytogenetic location: 4p14.
Variant type: single nucleotide variant.
Coding change: c.70C>G on transcript NM_006859.4 (MANE Select); coding-DNA position 70, C replaced by G.
Protein change: p.Pro24Ala; replaces proline 24 with alanine.
Molecular consequence: missense variant.
Genome position (GRCh38, 1-based): chr4:39,460,814, C>G. VCF-style: chr4-39460814-C-G. GRCh37 (hg19) VCF-style: chr4-39462434-C-G.
Other names: c.70C>G, p.Pro24Ala (NM_001278590.2, NM_001278591.2, NM_001278592.2 and 2 more transcripts); short protein forms P24A.
Identifiers: ClinVar variation 1464345 (VCV001464345.5), dbSNP rs768692068, ClinGen allele CA2894572.

ClinVar aggregate classification (germline): Uncertain significance (1 of 4 stars; one submission).

Conditions:
Lipoic acid synthetase deficiency. Also called: HYPERGLYCINEMIA, LACTIC ACIDOSIS, AND SEIZURES. Identifiers: Orphanet 401859, MedGen C3280887, MONDO:0013762, OMIM 614462.

Allele frequency attached by ClinVar (database versions not stated): gnomAD exomes below 0.00001; ExAC 0.00001.
gnomAD v4.1: 3 of 1,585,170 alleles (0.00019%); highest among the groups gnomAD compares: Non-Finnish European, 0.00026%; no homozygotes.

Submission:

Labcorp Genetics (formerly Invitae), Labcorp
Classification: Uncertain significance for Lipoic acid synthetase deficiency. Last evaluated: 2021-09-02. Review status: criteria provided, single submitter. Criteria: Invitae Variant Classification Sherloc (09022015). Collection method: clinical testing. Allele origin: germline.
Comment: This sequence change replaces proline with alanine at codon 24 of the LIAS protein (p.Pro24Ala). The proline residue is weakly conserved and there is a small physicochemical difference between proline and alanine. This variant is present in population databases (rs768692068, ExAC 0.002%). This variant has not been reported in the literature in individuals affected with LIAS-related conditions. Algorithms developed to predict the effect of missense changes on protein structure and function (SIFT, PolyPhen-2, Align-GVGD) all suggest that this variant is likely to be tolerated. In summary, the available evidence is currently insufficient to determine the role of this variant in disease. Therefore, it has been classified as a Variant of Uncertain Significance.